The following continues an entry in ClinVar:

NM_000551.4(VHL):c.598C>T (p.Arg200Trp)

ClinVar aggregate classification (germline): Benign. Benign (1).

Submissions 17 to 26 of 34:

All of Us Research Program, National Institutes of Health
Classification: Uncertain significance for Von Hippel-Lindau syndrome. Last evaluated: 2024-09-23. Review status: criteria provided, single submitter. Criteria: ACMG Guidelines, 2015. Collection method: clinical testing. Allele origin: germline. Inheritance: Autosomal dominant inheritance. Observed: 55 variant alleles, 55 heterozygotes. Not counted in ClinVar's aggregate classification.
Comment: This missense variant replaces arginine with tryptophan at codon 200 of the VHL protein. Computational prediction suggests that this variant may have deleterious impact on protein structure and function (internally defined REVEL score threshold >= 0.7, PMID: 27666373). **Functional studies have reported that this variant partially impacted VHL functions to varying degrees in binding and ubiquitination of HIF1alpha and the regulation of genes in the VHL-HIF and VHL-JAK2 pathways (PMID: 12415268, 15574766, 17992257, 19304954, 21685897) and partial to no impact on VHL binding to Elongin B, Elongin C, cullen and ROC/Rbx1 (PMID: 15574766, 19030229). Homozygous and compound heterozygous carriers of this variant have been reported in individuals affected with recessive Chuvash polycythemia and/or erythrocytosis (PMID: 11987242, 12415268, 12393546, 12702509, 12844285, 14726398, 15642664, 16210343, 23403324, 31132167), and haplotype analysis has found that one haplotype with this variant is a founder mutation for recessive Chuvash polycythemia (PMID: 14604959). However, these individuals and heterozygous family members are not known to exhibit multiple CNS and retinal hemangioblastomas and clear cell renal cell carcinomas that are characteristic of VHL hereditary cancer predisposition syndrome. One carrier family that was originally reported to be affected with isolated central nervous system hemangioblastoma (PMID: 17264095) was found to have this variant, p.Arg200Trp, in cis with p.Arg161Gln, and the haplotype of both variants in cis and in heterozygous state segregated with family members affected with CNS and retinal hemangioblastoma, clear cell renal cell carcinoma, pheochromocytoma and pancreatic neuroendocrine tumor (PMID: 25371412). Furthermore, functional study found that both variants in cis has an additive deleterious impact on VHL function in HIF1alpha peptide binding and deregulated expression of genes in the VHL-HIF pathway, suggesting the that the haplotype with both variants in cis is associated with autosomal dominant cancer predisposition (PMID: 25371412). This variant is common and has been identified in 57/282754 chromosomes in the general population by the Genome Aggregation Database (gnomAD). In summary, the heterozygous state for this variant per se may not be associated with the autosomal dominant VHL hereditary cancer predisposition syndrome. Therefore, this variant is classified as a Variant of Uncertain Significance.

This study involves interpretation of variants in research participants for the purpose of population health screening. Participant phenotype was not available at the time of variant classification. Additional details can be found in publication PMID: 35346344, PMCID: PMC8962531

Genomic Medicine Center of Excellence, King Faisal Specialist Hospital and Research Centre
Classification: Pathogenic for Chuvash polycythemia. Last evaluated: 2024-09-22. Review status: criteria provided, single submitter. Criteria: ACMG Guidelines, 2015. Collection method: clinical testing. Allele origin: germline. Not counted in ClinVar's aggregate classification.

Fulgent Genetics
Classification: Pathogenic for Nonpapillary renal cell carcinoma; Pheochromocytoma; Von Hippel-Lindau syndrome; Chuvash polycythemia. Last evaluated: 2024-04-03. Review status: criteria provided, single submitter. Criteria: ACMG Guidelines, 2015. Collection method: clinical testing. Allele origin: germline. Not counted in ClinVar's aggregate classification.

Revvity Omics, Revvity
Classification: Likely pathogenic. Last evaluated: 2024-03-11. Review status: criteria provided, single submitter. Criteria: ACMG Guidelines, 2015. Collection method: clinical testing. Allele origin: germline. Not counted in ClinVar's aggregate classification.

ARUP Laboratories, Molecular Genetics and Genomics, ARUP Laboratories
Classification: Pathogenic. Last evaluated: 2024-03-08. Review status: criteria provided, single submitter. Criteria: ARUP Molecular Germline Variant Investigation Process 2024. Collection method: clinical testing. Allele origin: germline. Not counted in ClinVar's aggregate classification.
Comment: The VHL c.598C>T; p.Arg200Trp variant (rs28940298) is an established founder mutation associated with autosomal recessive familial erythrocytosis 2 (MIM 263400), congenital polycythemia, or Chuvash polycythemia in a homozygous state (Ang 2002a, Ang 2002b, Pastore 2003, Percy 2003, Perrotta 2006). This variant is also reported in ClinVar (Variation ID: 2232). It is found in the general population with an overall allele frequency of 0.02% (57/282754 alleles, including zero homozygotes), and in the South Asian population with an allele frequency of 0.07% (20/30604 alleles) in the Genome Aggregation Database (v2.1.1). Computational analyses predict that this variant is deleterious (REVEL: 0.867). Several studies have demonstrated experimentally that this variant alters the function of the VHL protein (Ang 2002b, Hickey 2007, Rathmell 2004). Based on available information, this variant is considered to be pathogenic. References: Ang SO et al. Endemic polycythemia in Russia: mutation in the VHL gene. Blood Cells Mol Dis. 2002a Jan-Feb. PMID: 11987242. Ang SO et al. Disruption of oxygen homeostasis underlies congenital Chuvash polycythemia. Nature genetics. 2002b Dec. PMID: 12415268. Hickey MM et al. von Hippel-Lindau mutation in mice recapitulates Chuvash polycythemia via hypoxia-inducible factor-2alpha signaling and splenic erythropoiesis. J Clin Invest. 2007 Dec. PMID: 17992257. Pastore YD et al. Mutations in the VHL gene in sporadic apparently congenital polycythemia. Blood. 2003 Feb 15. PMID: 12393546. Percy MJ et al. Chuvash-type congenital polycythemia in 4 families of Asian and Western European ancestry. Blood. 2003 Aug 1. PMID: 12702509. Perrotta S et al. Von Hippel-Lindau-dependent polycythemia is endemic on the island of Ischia: identification of a novel cluster. Blood. 2006 Jan 15. PMID: 16210343. Rathmell WK et al. In vitro and in vivo models analyzing von Hippel-Lindau disease-specific mutations. Cancer Res. 2004 Dec 1. PMID: 15574766.

Oxford Medical Genetics Laboratories, Oxford University Hospitals NHS Foundation Trust
Classification: Pathogenic for Chuvash polycythemia. Last evaluated: 2023-03-23. Review status: criteria provided, single submitter. Criteria: ACMG Guidelines, 2015. Collection method: clinical testing. Allele origin: germline. Affected: yes. Not counted in ClinVar's aggregate classification.

Laboratory for Molecular Medicine, Mass General Brigham Personalized Medicine
Classification: Uncertain significance. Last evaluated: 2023-02-02. Review status: criteria provided, single submitter. Criteria: ACMG Guidelines, 2015. Collection method: clinical testing. Allele origin: germline. Not counted in ClinVar's aggregate classification.
Comment: The p.Arg200Trp variant in VHL has not been reported in the heterozygous state in individuals with paragangliomas, pheochromocytomas, or von Hippel-Lindau syndrome (Ang 2002 PMID: 12415268, Pastore 2003 PMID: 12393546, Gordeuk 2004 PMID: 14726398, Miasnikova 2011 PMID: 21606165) or in individuals with haemangioblastoma (Woodward 2007 PMID: 17264095). However, it is a well-established pathogenic variant in the homozygous state for autosomal recessive familial erythrocytosis, also known as Chuvash polycythemia (Ang 2002 PMID: 12415268, Gordeuk 2004 PMID: 14726398, Perrota 2006 PMID: 16210343, Mallik 2019 PMID: 31132167). It has also been identified in 0.065% (20/30604) of South Asian chromosomes by gnomAD. This variant has also been reported in ClinVar (Variation ID 2232). Computational prediction tools and conservation analysis do not provide strong support for or against an impact to the protein. In summary, the clinical significance of the p.Arg200Trp variant is uncertain as it relates to paragangliomas, pheochromocytomas, and von Hippel-Lindau syndrome. ACMG/AMP Criteria applied: PM2_Supporting.

Mendelics
Classification: Pathogenic for Nonpapillary renal cell carcinoma. Last evaluated: 2022-05-04. Review status: criteria provided, single submitter. Criteria: Mendelics Assertion Criteria 2019. Collection method: clinical testing. Allele origin: germline. Not counted in ClinVar's aggregate classification.

Women's Health and Genetics/Laboratory Corporation of America, LabCorp
Classification: Pathogenic for Erythrocytosis, familial, 2. Last evaluated: 2020-11-23. Review status: criteria provided, single submitter. Criteria: LabCorp Variant Classification Summary - May 2015. Collection method: clinical testing. Allele origin: germline. Not counted in ClinVar's aggregate classification.
Comment: Variant summary: VHL c.598C>T (p.Arg200Trp) results in a non-conservative amino acid change located in the von Hippel-Lindau disease tumour suppressor, alpha domain (IPR024048) of the encoded protein sequence. Five of five in-silico tools predict a damaging effect of the variant on protein function. The variant allele was found at a frequency of 0.00021 in 251358 control chromosomes (gnomAD). This frequency is not higher than expected for a pathogenic variant in VHL causing Congenital Polycythemia (0.00021 vs 0.02), allowing no conclusion about variant significance. c.598C>T has been reported in the literature, primarily in the homozygous state, in multiple individuals affected with autosomal recessive Congenital Polycythemia, also referred to as familial erythrocytosis type 2 (Chuvash polycythemia) (e.g. Ang_2002, Pastore_2003, Percy_2003, Perrotta_2006). These data indicate that the variant is very likely to be associated with Congenital Polycythemia. In the heterozygous state, the variant is not expected to cause Von Hippel-Lindau Syndrome, as reported by multiple studies (e.g. Ang_2002, Pastore_2003, Gordeuk_2004, Miasnikova_2011). Experimental evidence demonstrated the variant reduced the affinity of VHL for HIF1-alpha, resulting in a reduced rate of ubiquitination under non-hypoxic conditions (Ang_2002). Five ClinVar submitters (evaluation after 2014) cite the variant as pathogenic and one ClinVar submitter (evaluation after 2014) cites it as uncertain significance. Additionally, two ClinVar submitters (evaluation after 2014) cite it as likely benign for the condition of von Hippel-Lindau syndrome. Based on the evidence outlined above, the variant was classified as pathogenic for Congenital Polycythemia (familial erythrocytosis type 2).

Clinical Genetics and Genomics, Karolinska University Hospital
Classification: Pathogenic. Last evaluated: 2019-02-14. Review status: criteria provided, single submitter. Criteria: ACMG Guidelines, 2015. Collection method: clinical testing. Allele origin: germline. Affected: yes. Observed: 1 variant allele. Not counted in ClinVar's aggregate classification.